The following is an entry in ClinVar:

NM_001077418.3(TMEM231):c.144T>G (p.Phe48Leu)

Genes: TMEM231 (transmembrane protein 231; minus strand), LOC130059440 (ATAC-STARR-seq lymphoblastoid silent region 7724; plus strand). Cytogenetic location: 16q23.1.
Variant type: single nucleotide variant.
Coding change: c.144T>G on transcript NM_001077418.3 (MANE Select); coding-DNA position 144, T replaced by G.
Protein change: p.Phe48Leu; replaces phenylalanine 48 with leucine.
Molecular consequence: missense variant. On other transcripts: non-coding transcript variant (1).
Genome position (GRCh38, 1-based): chr16:75,555,969, A>C on the plus strand (T>G on the coding strand, the complement: TMEM231 is on the minus strand). VCF-style: chr16-75555969-A-C. GRCh37 (hg19) VCF-style: chr16-75589867-A-C.
Other names: c.303T>G, p.Phe101Leu (NM_001077416.2); short protein forms F101L, F48L.
Identifiers: ClinVar variation 1389783 (VCV001389783.6), dbSNP rs2151710882, ClinGen allele CA396809521.

ClinVar aggregate classification (germline): Uncertain significance (1 of 4 stars; one submission).

Conditions:
Joubert syndrome 20 (JBTS20). Identifiers: Orphanet 475, MedGen C3554235, MONDO:0013994, OMIM 614970.
Meckel syndrome, type 11 (MKS11). Identifiers: Orphanet 564, MedGen C3809352, MONDO:0014164, OMIM 615397.

Submission:

Labcorp Genetics (formerly Invitae), Labcorp
Classification: Uncertain significance for Joubert syndrome 20; Meckel syndrome, type 11. Last evaluated: 2024-10-24. Review status: criteria provided, single submitter. Criteria: Invitae Variant Classification Sherloc (09022015). Collection method: clinical testing. Allele origin: germline.
Comment: This sequence change replaces phenylalanine, which is neutral and non-polar, with leucine, which is neutral and non-polar, at codon 101 of the TMEM231 protein (p.Phe101Leu). This variant is not present in population databases (gnomAD no frequency). This variant has not been reported in the literature in individuals affected with TMEM231-related conditions. ClinVar contains an entry for this variant (Variation ID: 1389783). An algorithm developed to predict the effect of missense changes on protein structure and function outputs the following: PolyPhen-2: "Not Available". The leucine amino acid residue is found in multiple mammalian species, which suggests that this missense change does not adversely affect protein function. In summary, the available evidence is currently insufficient to determine the role of this variant in disease. Therefore, it has been classified as a Variant of Uncertain Significance.